The following is an entry in ClinVar:

ClinVar aggregate classification (germline): Uncertain significance (1 of 4 stars; one submission).

gnomAD v4.1: 1 of 1,503,334 alleles (0.000067%); no homozygotes.

Submission:

Labcorp Genetics (formerly Invitae), Labcorp
Classification: Uncertain significance. Last evaluated: 2022-10-16. Review status: criteria provided, single submitter. Criteria: Invitae Variant Classification Sherloc (09022015). Collection method: clinical testing. Allele origin: germline.
Comment: In summary, the available evidence is currently insufficient to determine the role of this variant in disease. Therefore, it has been classified as a Variant of Uncertain Significance. Algorithms developed to predict the effect of missense changes on protein structure and function are either unavailable or do not agree on the potential impact of this missense change (SIFT: "Deleterious"; PolyPhen-2: "Not Available"; Align-GVGD: "Class C0"). This variant has not been reported in the literature in individuals affected with ARID1B-related conditions. This variant is not present in population databases (gnomAD no frequency). This sequence change replaces glycine, which is neutral and non-polar, with valine, which is neutral and non-polar, at codon 249 of the ARID1B protein (p.Gly249Val).

NM_001374828.1(ARID1B):c.995G>T (p.Gly332Val)

Gene: ARID1B (AT-rich interaction domain 1B; plus strand). Cytogenetic location: 6q25.3.
Variant type: single nucleotide variant.
Coding change: c.995G>T on transcript NM_001374828.1 (MANE Select); coding-DNA position 995, G replaced by T.
Protein change: p.Gly332Val; replaces glycine 332 with valine.
Molecular consequence: missense variant.
Genome position (GRCh38, 1-based): chr6:156,778,675, G>T. VCF-style: chr6-156778675-G-T. GRCh37 (hg19) VCF-style: chr6-157099809-G-T.
Other names: c.746G>T, p.Gly249Val (NM_001346813.1, NM_020732.3); c.995G>T, p.Gly332Val (NM_001371656.1, NM_001374820.1, NM_017519.3); c.572G>T, p.Gly191Val (NM_175863.2); short protein forms G332V, G191V, G249V.
Identifiers: ClinVar variation 2808624 (VCV002808624.3), dbSNP rs1562376815, ClinGen allele CA366382720.